The following is an entry in ClinVar:

ClinVar aggregate classification (germline): Uncertain significance (1 of 4 stars; one submission).

Conditions:
Joubert syndrome 21 (JBTS21). Identifiers: MedGen C3810212, MONDO:0014288, OMIM 615636.

Submission:

Labcorp Genetics (formerly Invitae), Labcorp
Classification: Uncertain significance for Joubert syndrome 21. Last evaluated: 2023-08-04. Review status: criteria provided, single submitter. Criteria: Invitae Variant Classification Sherloc (09022015). Collection method: clinical testing. Allele origin: germline.
Comment: In summary, the available evidence is currently insufficient to determine the role of this variant in disease. Therefore, it has been classified as a Variant of Uncertain Significance. An algorithm developed to predict the effect of missense changes on protein structure and function (PolyPhen-2) suggests that this variant is likely to be tolerated. ClinVar contains an entry for this variant (Variation ID: 844295). This variant has not been reported in the literature in individuals affected with CSPP1-related conditions. This variant is not present in population databases (gnomAD no frequency). This sequence change replaces leucine, which is neutral and non-polar, with phenylalanine, which is neutral and non-polar, at codon 72 of the CSPP1 protein (p.Leu72Phe).

NM_001382391.1(CSPP1):c.108G>T (p.Leu36Phe)

Gene: CSPP1 (centrosome and spindle pole associated protein 1; plus strand). Cytogenetic location: 8q13.1.
Variant type: single nucleotide variant.
Coding change: c.108G>T on transcript NM_001382391.1 (MANE Select); coding-DNA position 108, G replaced by T.
Protein change: p.Leu36Phe; replaces leucine 36 with phenylalanine.
Molecular consequence: missense variant.
Genome position (GRCh38, 1-based): chr8:67,076,490, G>T. VCF-style: chr8-67076490-G-T. GRCh37 (hg19) VCF-style: chr8-67988725-G-T.
Other names: c.108G>T, p.Leu36Phe (NM_001363131.2, NM_001363132.2, NM_001363133.2); c.216G>T, p.Leu72Phe (NM_001364869.1, NM_001364870.1, NM_024790.7); short protein forms L36F, L72F.
Identifiers: ClinVar variation 844295 (VCV000844295.9), dbSNP rs1807945498, ClinGen allele CA371212056.